The following is an entry in ClinVar:

NM_005751.5(AKAP9):c.9880C>A (p.Arg3294=)

Gene: AKAP9 (A-kinase anchoring protein 9; plus strand). Cytogenetic location: 7q21.2.
Variant type: single nucleotide variant.
Coding change: c.9880C>A on transcript NM_005751.5 (MANE Select); coding-DNA position 9880, C replaced by A.
Protein change: p.Arg3294=; no amino-acid change (arginine 3294 retained).
Molecular consequence: synonymous variant.
Genome position (GRCh38, 1-based): chr7:92,096,839, C>A. VCF-style: chr7-92096839-C-A. GRCh37 (hg19) VCF-style: chr7-91726153-C-A.
Other names: c.4525C>A, p.Arg1509= (NM_001379277.1); c.9856C>A, p.Arg3286= (NM_147185.3).
Identifiers: ClinVar variation 2991884 (VCV002991884.3), dbSNP rs145355395, ClinGen allele CA456620462.
Genomic context (GRCh38, chr7:92,096,839, plus strand): 5'-CAGCAAAAAATAGAATCACAGAGAATGCTATATGATGCCCAGTTGTCAGAAGAACAAGGT[C>A]GAAACTTAGAGCTTCAGGTACTTCTTGAATCTGAGAAAGTTCGAATTCGGGAAATGAGTA-3'
Protein context (NP_005742.4, residues 3284-3304): YDAQLSEEQG[Arg3294=]NLELQVLLES

ClinVar aggregate classification (germline): Uncertain significance (1 of 4 stars; one submission).

Conditions:
Long QT syndrome (LQTS). Identifiers: MedGen C0023976, MeSH D008133, MONDO:0002442. Disease mechanism: loss of function. Inheritance: Various modes of inheritance.

Submission:

Labcorp Genetics (formerly Invitae), Labcorp
Classification: Uncertain significance for Long QT syndrome. Last evaluated: 2023-11-24. Review status: criteria provided, single submitter. Criteria: Invitae Variant Classification Sherloc (09022015). Collection method: clinical testing. Allele origin: germline.
Comment: This sequence change affects codon 3294 of the AKAP9 mRNA. It is a 'silent' change, meaning that it does not change the encoded amino acid sequence of the AKAP9 protein. This variant is not present in population databases (gnomAD no frequency). This variant has not been reported in the literature in individuals affected with AKAP9-related conditions. Algorithms developed to predict the effect of sequence changes on RNA splicing suggest that this variant may create or strengthen a splice site. In summary, the available evidence is currently insufficient to determine the role of this variant in disease. Therefore, it has been classified as a Variant of Uncertain Significance.